The following is an entry in ClinVar:

NM_016938.5(EFEMP2):c.97C>G (p.Pro33Ala)

Gene: EFEMP2 (EGF-like fibulin extracellular matrix protein 2; minus strand). Cytogenetic location: 11q13.1.
Variant type: single nucleotide variant.
Coding change: c.97C>G on transcript NM_016938.5 (MANE Select); coding-DNA position 97, C replaced by G.
Protein change: p.Pro33Ala; replaces proline 33 with alanine.
Molecular consequence: missense variant. On other transcripts: non-coding transcript variant (1).
Genome position (GRCh38, 1-based): chr11:65,872,258, G>C on the plus strand (C>G on the coding strand, the complement: EFEMP2 is on the minus strand). VCF-style: chr11-65872258-G-C. GRCh37 (hg19) VCF-style: chr11-65639729-G-C.
Other names: short protein forms P33A.
Identifiers: ClinVar variation 1413035 (VCV001413035.5), dbSNP rs1161566620, ClinGen allele CA381311209.

ClinVar aggregate classification (germline): Uncertain significance (1 of 4 stars; one submission).

Conditions:
Cutis laxa, autosomal recessive, type 1B (ARCL1B). Also called: CUTIS LAXA, AUTOSOMAL RECESSIVE, TYPE IB; EFEMP2-Related Cutis Laxa. Identifiers: Orphanet 90349, MedGen C3280798, MONDO:0013754, OMIM 614437. Disease mechanism: loss of function.

Allele frequency attached by ClinVar (database versions not stated): TOPMed below 0.00001; gnomAD 0.00001.
gnomAD v4.1: 4 of 1,551,246 alleles (0.00026%); highest among the groups gnomAD compares: Non-Finnish European, 0.00035%; no homozygotes.

Submission:

Labcorp Genetics (formerly Invitae), Labcorp
Classification: Uncertain significance for Cutis laxa, autosomal recessive, type 1B. Last evaluated: 2021-08-26. Review status: criteria provided, single submitter. Criteria: Invitae Variant Classification Sherloc (09022015). Collection method: clinical testing. Allele origin: germline.
Comment: This sequence change replaces proline with alanine at codon 33 of the EFEMP2 protein (p.Pro33Ala). The proline residue is highly conserved and there is a small physicochemical difference between proline and alanine. This variant is not present in population databases (ExAC no frequency). This variant has not been reported in the literature in individuals affected with EFEMP2-related conditions. Algorithms developed to predict the effect of missense changes on protein structure and function are either unavailable or do not agree on the potential impact of this missense change (SIFT: "Deleterious"; PolyPhen-2: "Benign"; Align-GVGD: "Class C0"). In summary, the available evidence is currently insufficient to determine the role of this variant in disease. Therefore, it has been classified as a Variant of Uncertain Significance.